The following is an entry in ClinVar:

ClinVar aggregate classification (germline): Likely pathogenic (1 of 4 stars; one submission).

Submission:

GeneDx
Classification: Likely pathogenic. Last evaluated: 2025-08-04. Review status: criteria provided, single submitter. Criteria: GeneDx Variant Classification Process June 2021. Collection method: clinical testing. Allele origin: germline. Affected: yes.
Comment: Canonical splice site variant predicted to result in an in-frame loss of the adjacent exon in a gene for which loss of function is a known mechanism of disease; Not observed at significant frequency in large population cohorts (gnomAD); Has not been previously published as pathogenic or benign to our knowledge

NM_005908.4(MANBA):c.379-2A>G

Gene: MANBA (mannosidase beta; minus strand). Cytogenetic location: 4q24.
Variant type: single nucleotide variant.
Coding change: c.379-2A>G on transcript NM_005908.4 (MANE Select); the canonical splice acceptor site of the intron before coding-DNA position 379, A replaced by G.
Molecular consequence: splice acceptor variant.
Genome position (GRCh38, 1-based): chr4:102,723,043, T>C on the plus strand (A>G on the coding strand, the complement: MANBA is on the minus strand). VCF-style: chr4-102723043-T-C. GRCh37 (hg19) VCF-style: chr4-103644200-T-C.
Identifiers: ClinVar variation 4755742 (VCV004755742.1).